The following is an entry in ClinVar:

ClinVar aggregate classification (germline): Pathogenic. Review status: criteria provided, single submitter (1 of 4 stars). 2 submissions from 1 submitter: Pathogenic (2). Last evaluated 2021-04-15.

Conditions:
ALG11-congenital disorder of glycosylation. Also called: CONGENITAL DISORDER OF GLYCOSYLATION, TYPE Ip; ALG11-CDG. Identifiers: Orphanet 280071, MedGen C3150913, MONDO:0013349, OMIM 613661.
Wilson disease (WND). Also called: Wilson's disease. Identifiers: Orphanet 905, MedGen C0019202, MONDO:0010200, OMIM 277900. Disease mechanism: loss of function.

Submissions (2):

Labcorp Genetics (formerly Invitae), Labcorp
Classification: Pathogenic for ALG11-congenital disorder of glycosylation. Last evaluated: 2021-04-15. Review status: criteria provided, single submitter. Criteria: Invitae Variant Classification Sherloc (09022015). Collection method: clinical testing. Allele origin: germline.
Comment: For these reasons, this variant has been classified as Pathogenic. This variant has been observed in individual(s) with Congenital disorder of glycosylation type 1 (PMID: 30676690). A gross deletion of the genomic region encompassing the full coding sequence of the ALG11 gene has been identified. Loss-of-function variants in ALG11 are known to be pathogenic (PMID: 30676690). The boundaries of this event are unknown as they extend beyond the assayed region for this gene and therefore may encompass additional genes.

Labcorp Genetics (formerly Invitae), Labcorp
Classification: Pathogenic for Wilson disease. Last evaluated: 2020-10-12. Review status: criteria provided, single submitter. Criteria: Invitae Variant Classification Sherloc (09022015). Collection method: clinical testing. Allele origin: germline.
Comment: This variant is a gross deletion of the genomic region encompassing exon 1 of the ATP7B gene, which includes the initiator codon. The 5' end of this event is unknown as it extends beyond the assayed region for this gene and therefore may encompass additional genes. The 3' boundary is likely confined to intron 1 of the ATP7B gene. This is expected to result in an absent or disrupted protein product. This variant has not been reported in the literature in individuals with ATP7B-related conditions. Loss-of-function variants in ATP7B are known to be pathogenic (PMID: 10441329, 16283883). For these reasons, this variant has been classified as Pathogenic.

Literature cited by the submitters: PubMed 30676690; PubMed 10441329; PubMed 16283883.

NC_000013.10:g.(?_52585403)_(52602726_?)del

Genes: ALG11 (ALG11 alpha-1,2-mannosyltransferase; plus strand), ATP7B (ATPase copper transporting beta; minus strand), UTP14C (UTP14C small subunit processome component; plus strand). Cytogenetic location: 13q14.3.
Variant type: Deletion.
Identifiers: ClinVar variation 1073825 (VCV001073825.7).